The following is an entry in ClinVar:

ClinVar aggregate classification (germline): Uncertain significance (1 of 4 stars; one submission).

Conditions:
Baller-Gerold syndrome (BGS). Also called: CRANIOSYNOSTOSIS WITH RADIAL DEFECTS. Identifiers: Orphanet 1225, MedGen C0265308, MONDO:0009039, OMIM 218600.

Allele frequency attached by ClinVar (database versions not stated): gnomAD exomes below 0.00001.
gnomAD v4.1: 3 of 1,609,718 alleles (0.00019%); highest among the groups gnomAD compares: Non-Finnish European, 0.00025%; no homozygotes.

Submission:

Labcorp Genetics (formerly Invitae), Labcorp
Classification: Uncertain significance for Baller-Gerold syndrome. Last evaluated: 2022-05-10. Review status: criteria provided, single submitter. Criteria: Invitae Variant Classification Sherloc (09022015). Collection method: clinical testing. Allele origin: germline.
Comment: Experimental studies and prediction algorithms are not available or were not evaluated, and the functional significance of this variant is currently unknown. In summary, the available evidence is currently insufficient to determine the role of this variant in disease. Therefore, it has been classified as a Variant of Uncertain Significance. This variant has not been reported in the literature in individuals affected with RECQL4-related conditions. This variant is not present in population databases (gnomAD no frequency). This sequence change replaces serine, which is neutral and polar, with asparagine, which is neutral and polar, at codon 750 of the RECQL4 protein (p.Ser750Asn).

NM_004260.4(RECQL4):c.2249G>A (p.Ser750Asn)

Gene: RECQL4 (RecQ like helicase 4; minus strand). Cytogenetic location: 8q24.3.
Variant type: single nucleotide variant.
Coding change: c.2249G>A on transcript NM_004260.4 (MANE Select); coding-DNA position 2249, G replaced by A.
Protein change: p.Ser750Asn; replaces serine 750 with asparagine.
Molecular consequence: missense variant.
Genome position (GRCh38, 1-based): chr8:144,513,432, C>T on the plus strand (G>A on the coding strand, the complement: RECQL4 is on the minus strand). VCF-style: chr8-144513432-C-T. GRCh37 (hg19) VCF-style: chr8-145738816-C-T.
Other names: c.2153G>A, p.Ser718Asn (NM_001413017.1, NM_001413020.1); c.2249G>A, p.Ser750Asn (NM_001413018.1, NM_001413019.1, NM_001413036.1); c.1178G>A, p.Ser393Asn (NM_001413021.1, NM_001413022.1, NM_001413023.1 and 6 more transcripts); c.2120G>A, p.Ser707Asn (NM_001413025.1); c.1112G>A, p.Ser371Asn (NM_001413027.1, NM_001413030.1, NM_001413032.1 and 1 more transcripts); c.1898G>A, p.Ser633Asn (NM_001413029.1); c.980G>A, p.Ser327Asn (NM_001413031.1); c.782G>A, p.Ser261Asn (NM_001413043.1); and 4 more; short protein forms S750N, S706N, S261N, S393N, S633N, S718N, S327N, S349N.
Identifiers: ClinVar variation 2196235 (VCV002196235.4), dbSNP rs2130680134, ClinGen allele CA372678482.